The following is an entry in ClinVar:

ClinVar aggregate classification (germline): Pathogenic (1 of 4 stars; one submission).

Conditions:
Mucopolysaccharidosis type 1. Also called: IDUA deficiency; MPS I; Mucopolysaccharidosis Type I. Identifiers: Orphanet 579, MedGen C0023786, MONDO:0001586.

Submission:

Labcorp Genetics (formerly Invitae), Labcorp
Classification: Pathogenic for Mucopolysaccharidosis type 1. Last evaluated: 2023-05-22. Review status: criteria provided, single submitter. Criteria: Invitae Variant Classification Sherloc (09022015). Collection method: clinical testing. Allele origin: germline.
Comment: This sequence change affects the initiator methionine of the IDUA mRNA. The next in-frame methionine is located at codon 133. This variant is not present in population databases (gnomAD no frequency). Disruption of the initiator codon has been observed in individual(s) with mucopolysaccharidosis type I (PMID: 31236806). For these reasons, this variant has been classified as Pathogenic.

Literature cited by the submitters: PubMed 31236806.

NM_000203.5(IDUA):c.-23_18del (p.Met1fs)

Genes: IDUA (alpha-L-iduronidase; plus strand), SLC26A1 (solute carrier family 26 member 1; minus strand). Cytogenetic location: 4p16.3.
Variant type: Deletion.
Coding change: c.-23_18del on transcript NM_000203.5 (MANE Select); 23 bases upstream of the start codon through coding-DNA position 18, 41 bases deleted.
Protein change: p.Met1fs; shifts the reading frame from methionine 1.
Molecular consequence: frameshift variant, initiator codon variant. On other transcripts: non-coding transcript variant (1), intron variant (1).
Genome position (GRCh38, 1-based): chr4:987,062-987,102, 41 bases deleted; deleting any 41 consecutive bases within chr4:987,057-987,102 gives the same sequence; the c. name uses the placement nearest the transcript's 3' end. GRCh37 (hg19): chr4:980,850-980,890.
Other names: c.576+4031_576+4071del (NM_134425.4); short protein forms M1fs.
Identifiers: ClinVar variation 2866981 (VCV002866981.3), dbSNP rs2534002869, ClinGen allele CA2739270004.
Genomic context (GRCh38, chr4:987,056, plus strand): 5'-GGTCACATGGGGTGCGCGCCCAGACTCCGACCCGGAGGCGGAACCGGCAGTGCAGCCCGA[AGCCCCGCAGTCCCCGAGCACGCGTGGCCATGCGTCCCCTGC>A]GCCCCCGCGCCGCGCTGCTGGCGCTCCTGGCCTCGCTCCTGGCCGCGCCCCCGGTGGCCC-3'